The following is an entry in ClinVar:

NM_001999.4(FBN2):c.1077C>T (p.Ile359=)

Gene: FBN2 (fibrillin 2; minus strand). Cytogenetic location: 5q23.3.
Variant type: single nucleotide variant.
Coding change: c.1077C>T on transcript NM_001999.4 (MANE Select); coding-DNA position 1077, C replaced by T.
Protein change: p.Ile359=; no amino-acid change (isoleucine 359 retained).
Molecular consequence: synonymous variant.
Genome position (GRCh38, 1-based): chr5:128,408,675, G>A on the plus strand (C>T on the coding strand, the complement: FBN2 is on the minus strand). VCF-style: chr5-128408675-G-A. GRCh37 (hg19) VCF-style: chr5-127744368-G-A.
Identifiers: ClinVar variation 1785161 (VCV001785161.4), dbSNP rs1240936847, ClinGen allele CA446306402.

ClinVar aggregate classification (germline): Likely benign. Review status: criteria provided, single submitter (1 of 4 stars). 2 submissions from 2 submitters: Likely benign (1). 1 of the submissions does not count toward it. Last evaluated 2022-06-22.

Conditions:
Familial thoracic aortic aneurysm and aortic dissection (TAAD). Also called: Thoracic aortic aneurysms and dissections. Identifiers: Orphanet 91387, MedGen C4707243, MONDO:0019625.
FBN2-related disorder. Also called: FBN2-related condition.

Allele frequency attached by ClinVar (database versions not stated): gnomAD exomes below 0.00001; TOPMed below 0.00001.
gnomAD v4.1: 1 of 1,613,844 alleles (0.000062%); highest among the groups gnomAD compares: Non-Finnish European, 0.000085%; no homozygotes.

Submissions (2):

Ambry Genetics
Classification: Likely benign for Familial thoracic aortic aneurysm and aortic dissection. Last evaluated: 2022-06-22. Review status: criteria provided, single submitter. Criteria: Ambry Variant Classification Scheme 2023. Collection method: clinical testing. Allele origin: germline.

PreventionGenetics, part of Exact Sciences
Classification: Likely benign for FBN2-related condition. Last evaluated: 2021-06-03. Review status: no assertion criteria provided. Collection method: clinical testing. Allele origin: germline. Not counted in ClinVar's aggregate classification.
Comment: This variant is classified as likely benign based on ACMG/AMP sequence variant interpretation guidelines (Richards et al. 2015 PMID: 25741868, with internal and published modifications).